The following is an entry in ClinVar:

NM_130468.4(CHST14):c.940C>T (p.Arg314Trp)

Gene: CHST14 (carbohydrate sulfotransferase 14; plus strand). Cytogenetic location: 15q15.1.
Variant type: single nucleotide variant.
Coding change: c.940C>T on transcript NM_130468.4 (MANE Select); coding-DNA position 940, C replaced by T.
Protein change: p.Arg314Trp; replaces arginine 314 with tryptophan.
Molecular consequence: missense variant.
Genome position (GRCh38, 1-based): chr15:40,472,153, C>T. VCF-style: chr15-40472153-C-T. GRCh37 (hg19) VCF-style: chr15-40764352-C-T.
Other names: short protein forms R314W.
Identifiers: ClinVar variation 3492634 (VCV003492634.1).
Genomic context (GRCh38, chr15:40,472,153, plus strand): 5'-GACTTTGTGGGCTCCTATGAGAGGCTGGAGGCTGATGCAAATCAGGTGCTGGAGTGGGTA[C>T]GGGCACCACCTCACGTCCGATTTCCAGCTCGCCAGGCCTGGTACCGGCCAGCCAGCCCCG-3'
Protein context (NP_569735.1, residues 304-324): ADANQVLEWV[Arg314Trp]APPHVRFPAR

ClinVar aggregate classification (germline): Uncertain significance (1 of 4 stars; one submission).

Conditions:
Cardiovascular phenotype. Identifiers: MedGen CN230736.

Submission:

Ambry Genetics
Classification: Uncertain significance for Cardiovascular phenotype. Last evaluated: 2024-08-12. Review status: criteria provided, single submitter. Criteria: Ambry Variant Classification Scheme 2023. Collection method: clinical testing. Allele origin: germline.
Comment: The p.R314W variant (also known as c.940C>T), located in coding exon 1 of the CHST14 gene, results from a C to T substitution at nucleotide position 940. The arginine at codon 314 is replaced by tryptophan, an amino acid with dissimilar properties. This amino acid position is conserved. In addition, this alteration is predicted to be tolerated by in silico analysis. Based on the available evidence, the clinical significance of this variant remains unclear.